The following is an entry in ClinVar:

NM_182931.3(KMT2E):c.1538G>A (p.Cys513Tyr)

Gene: KMT2E (lysine methyltransferase 2E (inactive); plus strand). Cytogenetic location: 7q22.3.
Variant type: single nucleotide variant.
Coding change: c.1538G>A on transcript NM_182931.3 (MANE Select); coding-DNA position 1538, G replaced by A.
Protein change: p.Cys513Tyr; replaces cysteine 513 with tyrosine.
Molecular consequence: missense variant.
Genome position (GRCh38, 1-based): chr7:105,090,188, G>A. VCF-style: chr7-105090188-G-A. GRCh37 (hg19) VCF-style: chr7-104730635-G-A.
Other names: c.1538G>A, p.Cys513Tyr (NM_001410908.1, NM_018682.4); short protein forms C513Y.
Identifiers: ClinVar variation 2632849 (VCV002632849.1), dbSNP rs1409281677, ClinGen allele CA368782471.

ClinVar aggregate classification (germline): Uncertain significance (1 of 4 stars; one submission).

Conditions:
KMT2E-related disorder. Also called: KMT2E-related condition.

Allele frequency attached by ClinVar (database versions not stated): gnomAD exomes below 0.00001.

Submission:

PreventionGenetics, part of Exact Sciences
Classification: Uncertain significance for KMT2E-related condition. Last evaluated: 2023-05-31. Review status: criteria provided, single submitter. Criteria: ACMG Guidelines, 2015. Collection method: clinical testing. Allele origin: germline.
Comment: The KMT2E c.1538G>A variant is predicted to result in the amino acid substitution p.Cys513Tyr. To our knowledge, this variant has not been reported in the literature or in a large population database, indicating this variant is rare. At this time, the clinical significance of this variant is uncertain due to the absence of conclusive functional and genetic evidence.